The following is an entry in ClinVar:

ClinVar aggregate classification (germline): Benign/Likely benign. Review status: criteria provided, multiple submitters, no conflicts (2 of 4 stars). 8 submissions from 8 submitters: Benign (1); Likely benign (4). 3 of the submissions do not count toward it. Last evaluated 2026-09-01.

Conditions:
Inborn genetic diseases. Identifiers: MedGen C0950123, MeSH D030342.
Hereditary sensory and autonomic neuropathy type 6. Also called: HSAN VI; Neuropathy, hereditary sensory and autonomic, type VI. Identifiers: Orphanet 314381, MedGen C3539003, MONDO:0013839, OMIM 614653.
Epidermolysis bullosa simplex 3, localized or generalized intermediate, with BP230 deficiency (EBS3). Also called: Epidermolysis bullosa simplex, autosomal recessive 2; Epidermolysis bullosa simplex due to BP230 deficiency. Identifiers: Orphanet 412181, MedGen C3809470, MONDO:0014180, OMIM 615425.
DST-related disorder. Also called: DST-related condition; DST-related disorders.

Allele frequency attached by ClinVar (database versions not stated): 1000 Genomes Project 30x 0.00297; ESP Exome Variant Server 0.00383; 1000 Genomes Project 0.00240; TOPMed 0.00249; gnomAD exomes 0.00281 and 0.00385; gnomAD 0.00285 and 0.00287; ExAC 0.00328.
gnomAD v4.1: 6,008 of 1,613,424 alleles (0.37%); highest among the groups gnomAD compares: Non-Finnish European, 0.44%; 21 homozygotes.

Submissions (8):

CeGaT Center for Human Genetics Tuebingen
Classification: Likely benign. Last evaluated: 2026-09-01. Review status: criteria provided, single submitter. Criteria: CeGaT Center For Human Genetics Tuebingen Variant Classification Criteria Version 2. Collection method: clinical testing. Allele origin: germline. Affected: yes. Observed: 20 variant alleles.
Comment: DST: BP4, BS2

Labcorp Genetics (formerly Invitae), Labcorp
Classification: Likely benign for Epidermolysis bullosa simplex 3, localized or generalized intermediate, with BP230 deficiency; Hereditary sensory and autonomic neuropathy type 6. Last evaluated: 2026-01-27. Review status: criteria provided, single submitter. Criteria: Invitae Variant Classification Sherloc (09022015). Collection method: clinical testing. Allele origin: germline.

Blueprint Genetics
Classification: Likely benign. Last evaluated: 2024-11-18. Review status: criteria provided, single submitter. Criteria: ACMG Guidelines, 2015. Collection method: clinical testing. Allele origin: germline.

Mayo Clinic Laboratories, Mayo Clinic
Classification: Benign. Last evaluated: 2023-08-17. Review status: criteria provided, single submitter. Criteria: ACMG Guidelines, 2015. Collection method: clinical testing. Allele origin: germline. Observed: 19 variant alleles.
Comment: BS1, BS2, BP4

Ambry Genetics
Classification: Likely benign for Inborn genetic diseases. Last evaluated: 2020-06-25. Review status: criteria provided, single submitter. Criteria: Ambry Variant Classification Scheme 2023. Collection method: clinical testing. Allele origin: germline.

PreventionGenetics, part of Exact Sciences
Classification: Likely benign for DST-related condition. Last evaluated: 2019-04-09. Review status: no assertion criteria provided. Collection method: clinical testing. Allele origin: germline. Not counted in ClinVar's aggregate classification.
Comment: This variant is classified as likely benign based on ACMG/AMP sequence variant interpretation guidelines (Richards et al. 2015 PMID: 25741868, with internal and published modifications).

Clinical Genetics DNA and cytogenetics Diagnostics Lab, Erasmus MC, Erasmus Medical Center
Classification: Likely benign. Review status: no assertion criteria provided. Collection method: clinical testing. Allele origin: germline. Affected: yes. Study: VKGL Data-share Consensus. Not counted in ClinVar's aggregate classification.

Clinical Genetics, Academic Medical Center
Classification: Likely benign. Review status: no assertion criteria provided. Collection method: clinical testing. Allele origin: germline. Affected: yes. Study: VKGL Data-share Consensus. Not counted in ClinVar's aggregate classification.

NM_001374736.1(DST):c.12839A>G (p.Lys4280Arg)

Gene: DST (dystonin; minus strand). Cytogenetic location: 6p12.1.
Variant type: single nucleotide variant.
Coding change: c.12839A>G on transcript NM_001374736.1 (MANE Select); coding-DNA position 12839, A replaced by G.
Protein change: p.Lys4280Arg; replaces lysine 4280 with arginine.
Molecular consequence: missense variant.
Genome position (GRCh38, 1-based): chr6:56,592,246, T>C on the plus strand (A>G on the coding strand, the complement: DST is on the minus strand). VCF-style: chr6-56592246-T-C. GRCh37 (hg19) VCF-style: chr6-56457044-T-C.
Other names: p.Lys1657Arg; c.6482A>G, p.Lys2161Arg (NM_001144769.5); c.6068A>G, p.Lys2023Arg (NM_001144770.2); c.12839A>G, p.Lys4280Arg (NM_001374722.1); c.12206A>G, p.Lys4069Arg (NM_001374729.1); c.5948A>G, p.Lys1983Arg (NM_001374730.1, NM_001386100.1, NM_183380.4); c.12866A>G, p.Lys4289Arg (NM_001374734.1); c.4970A>G, p.Lys1657Arg (NM_015548.5); short protein forms K1657R, K2023R, K2161R, K4280R, K4069R, K4289R, K1983R.
Identifiers: ClinVar variation 795702 (VCV000795702.54), dbSNP rs186813964, ClinGen allele CA3868380.
Genomic context (GRCh38, chr6:56,592,246, plus strand): 5'-GTCTCTTCTAATTGCCTTTGAAGATTTTTGGGGTCCACCGCAATAGGTTCAGATAAGTGT[T>C]TGCTCGCTGTGGCCTCACAGGCCTGGAGTCCAGCAAGAAGTCCACATGAAGCATCTTCAT-3'
Protein context (NP_001361665.1, residues 4270-4290): GLQACEATAS[Lys4280Arg]HLSEPIAVDP